The following is an entry in ClinVar:

NM_017617.5(NOTCH1):c.551A>G (p.Gln184Arg)

Gene: NOTCH1 (notch receptor 1; minus strand). Cytogenetic location: 9q34.3.
Variant type: single nucleotide variant.
Coding change: c.551A>G on transcript NM_017617.5 (MANE Select); coding-DNA position 551, A replaced by G.
Protein change: p.Gln184Arg; replaces glutamine 184 with arginine.
Molecular consequence: missense variant.
Genome position (GRCh38, 1-based): chr9:136,523,041, T>C on the plus strand (A>G on the coding strand, the complement: NOTCH1 is on the minus strand). VCF-style: chr9-136523041-T-C. GRCh37 (hg19) VCF-style: chr9-139417493-T-C.
Other names: short protein forms Q184R.
Identifiers: ClinVar variation 1748066 (VCV001748066.2), dbSNP rs1843399711, ClinGen allele CA375570360.
Genomic context (GRCh38, chr9:136,523,041, plus strand): 5'-CAGCGGTAGGAGCCGACCTCGTTGTGGCAGGTGCCTCCGTGGCGGCAAAGCCCGGGCTTC[T>C]GGCCACACTCGTTGACATCCTGCCGGCAGGTGGGGCCATGGAAGCTGGGTGGGCAGTGGC-3'
Protein context (NP_060087.3, residues 174-194): TCRQDVNECG[Gln184Arg]KPGLCRHGGT

ClinVar aggregate classification (germline): Uncertain significance (1 of 4 stars; one submission).

Conditions:
Familial thoracic aortic aneurysm and aortic dissection (TAAD). Also called: Thoracic aortic aneurysms and dissections. Identifiers: Orphanet 91387, MedGen C4707243, MONDO:0019625.

Allele frequency attached by ClinVar (database versions not stated): gnomAD exomes below 0.00001; gnomAD 0.00001.
gnomAD v4.1: 2 of 1,557,384 alleles (0.00013%); no homozygotes.

Submission:

Ambry Genetics
Classification: Uncertain significance for Familial thoracic aortic aneurysm and aortic dissection. Last evaluated: 2021-05-13. Review status: criteria provided, single submitter. Criteria: Ambry Variant Classification Scheme 2023. Collection method: clinical testing. Allele origin: germline.
Comment: The p.Q184R variant (also known as c.551A>G), located in coding exon 4 of the NOTCH1 gene, results from an A to G substitution at nucleotide position 551. The glutamine at codon 184 is replaced by arginine, an amino acid with highly similar properties. This amino acid position is not well conserved in available vertebrate species. In addition, this alteration is predicted to be tolerated by in silico analysis. Since supporting evidence is limited at this time, the clinical significance of this alteration remains unclear.